The following is an entry in ClinVar:

NM_002291.3(LAMB1):c.2869_2870delinsAG (p.Asp957Ser)

Gene: LAMB1 (laminin subunit beta 1; minus strand). Cytogenetic location: 7q31.1.
Variant type: Indel.
Coding change: c.2869_2870delinsAG on transcript NM_002291.3 (MANE Select); coding-DNA positions 2869 to 2870, GA replaced by AG.
Protein change: p.Asp957Ser; replaces aspartic acid 957 with serine.
Molecular consequence: missense variant.
Genome position (GRCh38, 1-based): chr7:107,953,739-107,953,740, TC replaced by CT on the plus strand (GA replaced by AG on the coding strand, the reverse complement: LAMB1 is on the minus strand). VCF-style: chr7-107953739-TC-CT. GRCh37 (hg19) VCF-style: chr7-107594184-TC-CT.
Other names: short protein forms D957S.
Identifiers: ClinVar variation 4701162 (VCV004701162.1).
Genomic context (GRCh38, chr7:107,953,739, plus strand): 5'-TGGCAAGGCTGACACGACCCCCCAACTTCTGATGGATTGCCAAAGTATCCTGAGGCACAG[TC>CT]GTCACATCTGGAACCTGTCACCCGATAAAACCAAACACAAGATGTTTAGCTTATTGACTG-3'
Protein context (NP_002282.2, residues 947-967): DPGYIGSRCD[Asp957Ser]CASGYFGNPS

ClinVar aggregate classification (germline): Uncertain significance (1 of 4 stars; one submission).

Submission:

Labcorp Genetics (formerly Invitae), Labcorp
Classification: Uncertain significance. Last evaluated: 2025-02-04. Review status: criteria provided, single submitter. Criteria: Invitae Variant Classification Sherloc (09022015). Collection method: clinical testing. Allele origin: germline.
Comment: This sequence change replaces aspartic acid, which is acidic and polar, with serine, which is neutral and polar, at codon 957 of the LAMB1 protein (p.Asp957Ser). This variant is present in population databases (no rsID available, gnomAD 0.03%). This variant has not been reported in the literature in individuals affected with LAMB1-related conditions. An algorithm developed to predict the effect of missense changes on protein structure and function (PolyPhen-2) suggests that this variant is likely to be tolerated. In summary, the available evidence is currently insufficient to determine the role of this variant in disease. Therefore, it has been classified as a Variant of Uncertain Significance.